The following is an entry in ClinVar:

ClinVar aggregate classification (germline): Uncertain significance (1 of 4 stars; one submission).

Conditions:
Microcephaly, normal intelligence and immunodeficiency (NBS). Also called: Microcephaly with normal intelligence immunodeficiency and lymphoreticular malignancies; Nonsyndromal microcephaly autosomal recessive with normal intelligence; Seemanova syndrome 2; BERLIN BREAKAGE SYNDROME; Ataxia telangiectasia variant V1; IMMUNODEFICIENCY, MICROCEPHALY, AND CHROMOSOMAL INSTABILITY. Identifiers: Orphanet 647, MedGen C0398791, MONDO:0009623, OMIM 251260.

gnomAD v4.1: 1 of 1,591,830 alleles (0.000063%); highest among the groups gnomAD compares: Non-Finnish European, 0.000086%; no homozygotes.

Submission:

Labcorp Genetics (formerly Invitae), Labcorp
Classification: Uncertain significance for Microcephaly, normal intelligence and immunodeficiency. Last evaluated: 2024-09-16. Review status: criteria provided, single submitter. Criteria: Invitae Variant Classification Sherloc (09022015). Collection method: clinical testing. Allele origin: germline.
Comment: This sequence change replaces arginine, which is basic and polar, with isoleucine, which is neutral and non-polar, at codon 660 of the NBN protein (p.Arg660Ile). This variant is not present in population databases (gnomAD no frequency). This variant has not been reported in the literature in individuals affected with NBN-related conditions. An algorithm developed to predict the effect of missense changes on protein structure and function (PolyPhen-2) suggests that this variant is likely to be disruptive. In summary, the available evidence is currently insufficient to determine the role of this variant in disease. Therefore, it has been classified as a Variant of Uncertain Significance.

NM_002485.5(NBN):c.1979G>T (p.Arg660Ile)

Gene: NBN (nibrin; minus strand). Cytogenetic location: 8q21.3.
Variant type: single nucleotide variant.
Coding change: c.1979G>T on transcript NM_002485.5 (MANE Select); coding-DNA position 1979, G replaced by T.
Protein change: p.Arg660Ile; replaces arginine 660 with isoleucine.
Molecular consequence: missense variant.
Genome position (GRCh38, 1-based): chr8:89,946,231, C>A on the plus strand (G>T on the coding strand, the complement: NBN is on the minus strand). VCF-style: chr8-89946231-C-A. GRCh37 (hg19) VCF-style: chr8-90958459-C-A.
Other names: c.1733G>T, p.Arg578Ile (NM_001024688.3); short protein forms R660I, R578I.
Identifiers: ClinVar variation 2996676 (VCV002996676.3), dbSNP rs201781110, ClinGen allele CA181274807.